The following is an entry in ClinVar:

ClinVar aggregate classification (germline): Uncertain significance (1 of 4 stars; one submission).

Conditions:
Ehlers-Danlos syndrome, kyphoscoliotic type 1 (EDSKSCL1). Also called: Ehlers-Danlos syndrome, hydroxylysine-deficient; EHLERS-DANLOS SYNDROME, TYPE VIA; EHLERS-DANLOS SYNDROME, OCULAR-SCOLIOTIC TYPE; PLOD1-Related Kyphoscoliotic Ehlers-Danlos Syndrome. Identifiers: Orphanet 1900, MedGen C0268342, MONDO:0016002, OMIM 225400. Disease mechanism: loss of function.

Allele frequency attached by ClinVar (database versions not stated): gnomAD 0.00001; gnomAD exomes 0.00001; TOPMed 0.00001; ExAC 0.00002.

Submission:

Labcorp Genetics (formerly Invitae), Labcorp
Classification: Uncertain significance for Ehlers-Danlos syndrome, kyphoscoliotic type 1. Last evaluated: 2022-04-26. Review status: criteria provided, single submitter. Criteria: Invitae Variant Classification Sherloc (09022015). Collection method: clinical testing. Allele origin: germline.
Comment: This sequence change replaces arginine, which is basic and polar, with histidine, which is basic and polar, at codon 430 of the PLOD1 protein (p.Arg430His). This variant is present in population databases (rs766778400, gnomAD 0.01%). This variant has not been reported in the literature in individuals affected with PLOD1-related conditions. Algorithms developed to predict the effect of missense changes on protein structure and function (SIFT, PolyPhen-2, Align-GVGD) all suggest that this variant is likely to be disruptive. In summary, the available evidence is currently insufficient to determine the role of this variant in disease. Therefore, it has been classified as a Variant of Uncertain Significance.

NM_000302.4(PLOD1):c.1289G>A (p.Arg430His)

Gene: PLOD1 (procollagen-lysine,2-oxoglutarate 5-dioxygenase 1; plus strand). Cytogenetic location: 1p36.22.
Variant type: single nucleotide variant.
Coding change: c.1289G>A on transcript NM_000302.4 (MANE Select); coding-DNA position 1289, G replaced by A.
Protein change: p.Arg430His; replaces arginine 430 with histidine.
Molecular consequence: missense variant.
Genome position (GRCh38, 1-based): chr1:11,964,261, G>A. VCF-style: chr1-11964261-G-A. GRCh37 (hg19) VCF-style: chr1-12024318-G-A.
Other names: c.1430G>A, p.Arg477His (NM_001316320.2); short protein forms R430H, R477H.
Identifiers: ClinVar variation 2166689 (VCV002166689.1), dbSNP rs766778400, ClinGen allele CA598348.